The following is an entry in ClinVar:

NM_014264.5(PLK4):c.184A>G (p.Lys62Glu)

Gene: PLK4 (polo like kinase 4; plus strand). Cytogenetic location: 4q28.1.
Variant type: single nucleotide variant.
Coding change: c.184A>G on transcript NM_014264.5 (MANE Select); coding-DNA position 184, A replaced by G.
Protein change: p.Lys62Glu; replaces lysine 62 with glutamic acid.
Molecular consequence: missense variant. On other transcripts: intron variant (1).
Genome position (GRCh38, 1-based): chr4:127,883,319, A>G. VCF-style: chr4-127883319-A-G. GRCh37 (hg19) VCF-style: chr4-128804474-A-G.
Other names: c.61A>G, p.Lys21Glu (NM_001190801.2); c.127-120A>G (NM_001190799.2); short protein forms K21E, K62E.
Identifiers: ClinVar variation 2062217 (VCV002062217.4), dbSNP rs1261914635, ClinGen allele CA358167381.
Genomic context (GRCh38, chr4:127,883,319, plus strand): 5'-TAGATAGATAAGAAAGCCATGTACAAAGCAGGAATGGTACAGAGAGTCCAAAATGAGGTG[A>G]AAATACATTGCCAATTGAAACATCCTTCTATCTTGGAGGTAAGATATAAATTTTGTAGAA-3'
Protein context (NP_055079.3, residues 52-72): GMVQRVQNEV[Lys62Glu]IHCQLKHPSI

ClinVar aggregate classification (germline): Uncertain significance. Review status: criteria provided, multiple submitters, no conflicts (2 of 4 stars). 2 submissions from 2 submitters: Uncertain significance (2). Last evaluated 2024-04-05.

Conditions:
Inborn genetic diseases. Identifiers: MedGen C0950123, MeSH D030342.

Allele frequency attached by ClinVar (database versions not stated): TOPMed 0.00002.

Submissions (2):

Labcorp Genetics (formerly Invitae), Labcorp
Classification: Uncertain significance. Last evaluated: 2024-04-05. Review status: criteria provided, single submitter. Criteria: Invitae Variant Classification Sherloc (09022015). Collection method: clinical testing. Allele origin: germline.
Comment: This sequence change replaces lysine, which is basic and polar, with glutamic acid, which is acidic and polar, at codon 62 of the PLK4 protein (p.Lys62Glu). This variant is not present in population databases (gnomAD no frequency). This variant has not been reported in the literature in individuals affected with PLK4-related conditions. ClinVar contains an entry for this variant (Variation ID: 2062217). An algorithm developed to predict the effect of missense changes on protein structure and function (PolyPhen-2) suggests that this variant is likely to be disruptive. In summary, the available evidence is currently insufficient to determine the role of this variant in disease. Therefore, it has been classified as a Variant of Uncertain Significance.

Ambry Genetics
Classification: Uncertain significance for Inborn genetic diseases. Last evaluated: 2021-07-02. Review status: criteria provided, single submitter. Criteria: Ambry Variant Classification Scheme 2023. Collection method: clinical testing. Allele origin: germline.